The following is an entry in ClinVar:

NM_022841.7(RFX7):c.2614A>G (p.Asn872Asp)

Gene: RFX7 (regulatory factor X7; minus strand). Cytogenetic location: 15q21.3.
Variant type: single nucleotide variant.
Coding change: c.2614A>G on transcript NM_022841.7 (MANE Select); coding-DNA position 2614, A replaced by G.
Protein change: p.Asn872Asp; replaces asparagine 872 with aspartic acid.
Molecular consequence: missense variant.
Genome position (GRCh38, 1-based): chr15:56,095,114, T>C on the plus strand (A>G on the coding strand, the complement: RFX7 is on the minus strand). VCF-style: chr15-56095114-T-C. GRCh37 (hg19) VCF-style: chr15-56387312-T-C.
Other names: c.2323A>G, p.Asn775Asp (NM_001368073.2, NM_001368074.1, NM_001370554.1); c.2614A>G, p.Asn872Asp (NM_001370561.1); short protein forms N775D, N872D.
Identifiers: ClinVar variation 4883059 (VCV004883059.2).

ClinVar aggregate classification (germline): Uncertain significance (1 of 4 stars; one submission).

Conditions:
Intellectual developmental disorder, autosomal dominant 71, with behavioral abnormalities (MRD71). Identifiers: MedGen C5830437, MONDO:0957228, OMIM 620330.

Submission:

Dasa
Classification: Uncertain significance for Intellectual developmental disorder, autosomal dominant 71, with behavioral abnormalities. Last evaluated: 2025-08-29. Review status: criteria provided, single submitter. Criteria: DASA Assertion Criteria. Collection method: clinical testing. Allele origin: germline.
Comment: NM_022841.7(RFX7):c.2614A>G (p.Asn872Asp) is a missense variant that results in the substitution of asparagine with aspartic acid. This variant is absent from population databases. Computational prediction algorithms are consistent with a benign effect. The currently available literature and clinical evidence are not sufficient to establish a definitive association between this variant and the reported condition. Therefore, this variant is classified as a variant of uncertain significance.